The following is an entry in ClinVar:

ClinVar aggregate classification (germline): Pathogenic/Likely pathogenic. Review status: criteria provided, multiple submitters, no conflicts (2 of 4 stars). 4 submissions from 4 submitters: Pathogenic (3); Likely pathogenic (1). Last evaluated 2025-05-05.

Conditions:
Hypertrophic cardiomyopathy. Also called: HYPERTROPHIC MYOCARDIOPATHY. Identifiers: Orphanet 217569, MedGen C0007194, MeSH D002312, MONDO:0005045, HP:0001639.
Cardiovascular phenotype. Identifiers: MedGen CN230736.
Cardiomyopathy (CMYO). Also called: Cardiomyopathies. Identifiers: Orphanet 167848, MedGen C0878544, MONDO:0004994, HP:0001638. Inheritance: Various modes of inheritance.

Submissions (4):

GeneDx
Classification: Likely pathogenic. Last evaluated: 2025-05-05. Review status: criteria provided, single submitter. Criteria: GeneDx Variant Classification Process June 2021. Collection method: clinical testing. Allele origin: germline. Affected: yes.
Comment: Has not been previously published as pathogenic or benign to our knowledge; Not observed at significant frequency in large population cohorts (gnomAD); Nonsense variant predicted to result in protein truncation or nonsense mediated decay in a gene for which loss of function is a known mechanism of disease

Labcorp Genetics (formerly Invitae), Labcorp
Classification: Pathogenic for Hypertrophic cardiomyopathy. Last evaluated: 2024-03-05. Review status: criteria provided, single submitter. Criteria: Invitae Variant Classification Sherloc (09022015). Collection method: clinical testing. Allele origin: germline.
Comment: This sequence change creates a premature translational stop signal (p.Gln1070*) in the MYBPC3 gene. It is expected to result in an absent or disrupted protein product. Loss-of-function variants in MYBPC3 are known to be pathogenic (PMID: 19574547). This variant is not present in population databases (gnomAD no frequency). This variant has not been reported in the literature in individuals affected with MYBPC3-related conditions. ClinVar contains an entry for this variant (Variation ID: 1728884). For these reasons, this variant has been classified as Pathogenic.

Color Diagnostics, LLC DBA Color Health
Classification: Pathogenic for Cardiomyopathy. Last evaluated: 2023-03-28. Review status: criteria provided, single submitter. Criteria: ACMG Guidelines, 2015. Collection method: clinical testing. Allele origin: germline.
Comment: This variant changes 1 nucleotide in exon 30 of the MYBPC3 gene, creating a premature translation stop signal. This variant is expected to result in an absent or non-functional protein product. To our knowledge, this variant has not been reported in individuals affected with MYBPC3-related disorders in the literature. This variant has not been identified in the general population by the Genome Aggregation Database (gnomAD). Loss of MYBPC3 function is a known mechanism of disease. Based on the available evidence, this variant is classified as Pathogenic.

Ambry Genetics
Classification: Pathogenic for Cardiovascular phenotype. Last evaluated: 2020-06-05. Review status: criteria provided, single submitter. Criteria: Ambry Variant Classification Scheme 2023. Collection method: clinical testing. Allele origin: germline.
Comment: The p.Q1070* pathogenic mutation (also known as c.3208C>T), located in coding exon 30 of the MYBPC3 gene, results from a C to T substitution at nucleotide position 3208. This changes the amino acid from a glutamine to a stop codon within coding exon 30. This alteration is expected to result in loss of function by premature protein truncation or nonsense-mediated mRNA decay. As such, this alteration is interpreted as a disease-causing mutation.

Literature cited by the submitters: PubMed 19574547 (cited by Labcorp Genetics (formerly Invitae), Labcorp).

NM_000256.3(MYBPC3):c.3208C>T (p.Gln1070Ter)

Gene: MYBPC3 (myosin binding protein C3; minus strand). Cytogenetic location: 11p11.2.
Variant type: single nucleotide variant.
Coding change: c.3208C>T on transcript NM_000256.3 (MANE Select); coding-DNA position 3208, C replaced by T.
Protein change: p.Gln1070Ter; replaces glutamine 1070 with a stop codon.
Molecular consequence: nonsense.
Genome position (GRCh38, 1-based): chr11:47,333,316, G>A on the plus strand (C>T on the coding strand, the complement: MYBPC3 is on the minus strand). VCF-style: chr11-47333316-G-A. GRCh37 (hg19) VCF-style: chr11-47354867-G-A.
Other names: short protein forms Q1070*.
Identifiers: ClinVar variation 1728884 (VCV001728884.7), dbSNP rs1214223476, ClinGen allele CA380314493.